The following is an entry in ClinVar:

NC_000006.12:g.26086974G>C

Genes: HFE (homeostatic iron regulator; plus strand), HFE-AS1 (HFE antisense RNA 1; minus strand). Cytogenetic location: 6p22.2.
Variant type: single nucleotide variant.
Molecular consequence: non-coding transcript variant (on NR_144383.1).
Genome position: GRCh38 VCF-style: chr6-26086974-G-C. GRCh37 (hg19) VCF-style: chr6-26087202-G-C.
Identifiers: ClinVar variation 1168055 (VCV001168055.11), dbSNP rs2794720, ClinGen allele CA15466527.

ClinVar aggregate classification (germline): Benign. Review status: criteria provided, multiple submitters, no conflicts (2 of 4 stars). 2 submissions from 2 submitters: Benign (2). Last evaluated 2025-12-15.

Conditions:
Hereditary hemochromatosis (HFE). Identifiers: MedGen C0392514, MONDO:0006507. Disease mechanism: loss of function.

Allele frequency attached by ClinVar (database versions not stated): gnomAD 0.36679 and 0.37176; 1000 Genomes Project 0.40715; TOPMed 0.36666; 1000 Genomes Project 30x 0.39897.

Submissions (2):

Labcorp Genetics (formerly Invitae), Labcorp
Classification: Benign for Hereditary hemochromatosis. Last evaluated: 2025-12-15. Review status: criteria provided, single submitter. Criteria: Invitae Variant Classification Sherloc (09022015). Collection method: clinical testing. Allele origin: germline.

GeneDx
Classification: Benign. Last evaluated: 2018-09-04. Review status: criteria provided, single submitter. Criteria: GeneDx Variant Classification Process June 2021. Collection method: clinical testing. Allele origin: germline. Affected: yes.
Comment: This variant is associated with the following publications: (PMID: 21412944)